The following is an entry in ClinVar:

ClinVar aggregate classification (germline): Uncertain significance (1 of 4 stars; one submission).

Conditions:
Cardiovascular phenotype. Identifiers: MedGen CN230736.

Allele frequency attached by ClinVar (database versions not stated): gnomAD exomes below 0.00001.
gnomAD v4.1: 5 of 1,539,328 alleles (0.00032%); highest among the groups gnomAD compares: Middle Eastern, 0.017%; no homozygotes.

Submission:

Ambry Genetics
Classification: Uncertain significance for Cardiovascular phenotype. Last evaluated: 2023-12-25. Review status: criteria provided, single submitter. Criteria: Ambry Variant Classification Scheme 2023. Collection method: clinical testing. Allele origin: germline.
Comment: The p.R3446Q variant (also known as c.10337G>A), located in coding exon 2 of the ZNF469 gene, results from a G to A substitution at nucleotide position 10337. The arginine at codon 3446 is replaced by glutamine, an amino acid with highly similar properties. This amino acid position is conserved. In addition, this alteration is predicted to be tolerated by in silico analysis. Since supporting evidence is limited at this time, the clinical significance of this alteration remains unclear.

NM_001367624.2(ZNF469):c.10421G>A (p.Arg3474Gln)

Gene: ZNF469 (zinc finger protein 469; plus strand). Cytogenetic location: 16q24.2.
Variant type: single nucleotide variant.
Coding change: c.10421G>A on transcript NM_001367624.2 (MANE Select); coding-DNA position 10421, G replaced by A.
Protein change: p.Arg3474Gln; replaces arginine 3474 with glutamine.
Molecular consequence: missense variant.
Genome position (GRCh38, 1-based): chr16:88,437,891, G>A. VCF-style: chr16-88437891-G-A. GRCh37 (hg19) VCF-style: chr16-88504299-G-A.
Other names: NM_001127464.1:c.10337G>A; short protein forms R3474Q.
Identifiers: ClinVar variation 3232724 (VCV003232724.1), dbSNP rs959620448, ClinGen allele CA286386705.